The following is an entry in ClinVar:

NM_006947.4(SRP72):c.144G>T (p.Leu48=)

Gene: SRP72 (signal recognition particle 72; plus strand). Cytogenetic location: 4q12.
Variant type: single nucleotide variant.
Coding change: c.144G>T on transcript NM_006947.4 (MANE Select); coding-DNA position 144, G replaced by T.
Protein change: p.Leu48=; no amino-acid change (leucine 48 retained).
Molecular consequence: synonymous variant. On other transcripts: non-coding transcript variant (1).
Genome position (GRCh38, 1-based): chr4:56,469,687, G>T. VCF-style: chr4-56469687-G-T. GRCh37 (hg19) VCF-style: chr4-57335853-G-T.
Other names: p.Leu48=; c.144G>T, p.Leu48= (NM_001267722.2).
Identifiers: ClinVar variation 349119 (VCV000349119.20), dbSNP rs112496764, ClinGen allele CA2930983.

ClinVar aggregate classification (germline): Benign/Likely benign. Review status: criteria provided, multiple submitters, no conflicts (2 of 4 stars). 5 submissions from 5 submitters: Benign (2); Likely benign (3). Last evaluated 2026-02-01.

Conditions:
Autosomal dominant aplasia and myelodysplasia. Also called: Bone marrow failure syndrome 1. Identifiers: Orphanet 314399, MedGen C3808553, MONDO:0013851, OMIM 614675.

Allele frequency attached by ClinVar (database versions not stated): ESP Exome Variant Server 0.00015; gnomAD 0.00048 and 0.00172; TOPMed 0.00079; ExAC 0.00568; 1000 Genomes Project 30x 0.00890; 1000 Genomes Project 0.01018.
gnomAD v4.1: 3,749 of 1,611,544 alleles (0.23%); highest among the groups gnomAD compares: South Asian, 3.5%; 121 homozygotes.

Submissions (5):

Labcorp Genetics (formerly Invitae), Labcorp
Classification: Benign. Last evaluated: 2026-02-01. Review status: criteria provided, single submitter. Criteria: Invitae Variant Classification Sherloc (09022015). Collection method: clinical testing. Allele origin: germline.

Mayo Clinic Laboratories, Mayo Clinic
Classification: Likely benign. Last evaluated: 2025-09-16. Review status: criteria provided, single submitter. Criteria: ACMG Guidelines, 2015. Collection method: clinical testing. Allele origin: germline. Observed: 1 variant allele.
Comment: BS1, BP4, BP7

GeneDx
Classification: Likely benign. Last evaluated: 2020-09-10. Review status: criteria provided, single submitter. Criteria: GeneDx Variant Classification Process June 2021. Collection method: clinical testing. Allele origin: germline. Affected: yes.

Illumina Laboratory Services, Illumina
Classification: Benign for Autosomal dominant aplasia and myelodysplasia. Last evaluated: 2018-01-13. Review status: criteria provided, single submitter. Criteria: ICSL Variant Classification Criteria 13 December 2019. Collection method: clinical testing. Allele origin: germline.
Comment: This variant was observed in the ICSL laboratory as part of a predisposition screen in an ostensibly healthy population. It had not been previously curated by ICSL or reported in the Human Gene Mutation Database (HGMD: prior to June 1st, 2018), and was therefore a candidate for classification through an automated scoring system. Utilizing variant allele frequency, disease prevalence and penetrance estimates, and inheritance mode, an automated score was calculated to assess if this variant is too frequent to cause the disease. Based on the score and internal cut-off values, a variant classified as benign is not then subjected to further curation. The score for this variant resulted in a classification of benign for this disease.

Breakthrough Genomics
Classification: Likely benign. Review status: criteria provided, single submitter. Criteria: ACMG Guidelines, 2015. Collection method: not provided. Allele origin: germline. Inheritance: Autosomal dominant inheritance. Affected: yes.